The following is an entry in ClinVar:

ClinVar aggregate classification (germline): Uncertain significance (1 of 4 stars; one submission).

Conditions:
Cardiovascular phenotype. Identifiers: MedGen CN230736.

gnomAD v4.1: 4 of 1,614,184 alleles (0.00025%); highest among the groups gnomAD compares: Non-Finnish European, 0.00034%; no homozygotes.

Submission:

Ambry Genetics
Classification: Uncertain significance for Cardiovascular phenotype. Last evaluated: 2020-01-15. Review status: criteria provided, single submitter. Criteria: Ambry Variant Classification Scheme 2023. Collection method: clinical testing. Allele origin: germline.
Comment: The p.R388I variant (also known as c.1163G>T), located in coding exon 11 of the ANK2 gene, results from a G to T substitution at nucleotide position 1163. The arginine at codon 388 is replaced by isoleucine, an amino acid with similar properties. This amino acid position is well conserved in available vertebrate species. In addition, the in silico prediction for this alteration is inconclusive. Since supporting evidence is limited at this time, the clinical significance of this alteration remains unclear.

NM_001148.6(ANK2):c.1163G>T (p.Arg388Ile)

Gene: ANK2 (ankyrin 2; plus strand). Cytogenetic location: 4q26.
Variant type: single nucleotide variant.
Coding change: c.1163G>T on transcript NM_001148.6 (MANE Select); coding-DNA position 1163, G replaced by T.
Protein change: p.Arg388Ile; replaces arginine 388 with isoleucine.
Molecular consequence: missense variant.
Genome position (GRCh38, 1-based): chr4:113,255,907, G>T. VCF-style: chr4-113255907-G-T. GRCh37 (hg19) VCF-style: chr4-114177063-G-T.
Other names: c.1100G>T, p.Arg367Ile (NM_001127493.3, NM_001354239.2, NM_001354243.2 and 14 more transcripts); c.1163G>T, p.Arg388Ile (NM_001354225.2, NM_001354228.2, NM_001354232.2 and 9 more transcripts); c.1208G>T, p.Arg403Ile (NM_001354230.2, NM_001354231.2, NM_001354237.2 and 5 more transcripts); c.1076G>T, p.Arg359Ile (NM_001354249.2, NM_001354260.2, NM_001354264.2 and 16 more transcripts); c.1121G>T, p.Arg374Ile (NM_001354261.2, NM_001386147.1, NM_001386160.1); c.1151G>T, p.Arg384Ile (NM_001354269.3, NM_001386148.2, NM_001386186.2); c.1214G>T, p.Arg405Ile (NM_001386174.1); c.1190G>T, p.Arg397Ile (NM_001386175.1); and 1 more; short protein forms R367I, R374I, R376I, R403I, R405I, R359I, R384I, R388I.
Identifiers: ClinVar variation 1737573 (VCV001737573.2), dbSNP rs200799668, ClinGen allele CA357927094.
Genomic context (GRCh38, chr4:113,255,907, plus strand): 5'-CCCTCCACGTTGCTGCGCACTGTGGCCACTACCGTGTAACCAAACTCCTTTTAGACAAGA[G>T]AGCCAATCCGAACGCCAGAGCCCTGGTAAACTTGGCCCAGTCCACATTAACTGAATACAG-3'
Protein context (NP_001139.3, residues 378-398): YRVTKLLLDK[Arg388Ile]ANPNARALNG